The following is an entry in ClinVar:

NM_001130009.3(GEN1):c.301T>G (p.Trp101Gly)

Gene: GEN1 (GEN1 structure-specific endonuclease; plus strand). Cytogenetic location: 2p24.2.
Variant type: single nucleotide variant.
Coding change: c.301T>G on transcript NM_001130009.3 (MANE Select); coding-DNA position 301, T replaced by G.
Protein change: p.Trp101Gly; replaces tryptophan 101 with glycine.
Molecular consequence: missense variant.
Genome position (GRCh38, 1-based): chr2:17,761,535, T>G. VCF-style: chr2-17761535-T-G. GRCh37 (hg19) VCF-style: chr2-17942802-T-G.
Other names: c.301T>G, p.Trp101Gly (NM_182625.5); short protein forms W101G.
Identifiers: ClinVar variation 4671459 (VCV004671459.1).

ClinVar aggregate classification (germline): Uncertain significance (1 of 4 stars; one submission).

Submission:

Ambry Genetics
Classification: Uncertain significance. Last evaluated: 2025-10-01. Review status: criteria provided, single submitter. Criteria: Ambry Variant Classification Scheme 2023. Collection method: clinical testing. Allele origin: germline.
Comment: The p.W101G variant (also known as c.301T>G), located in coding exon 2 of the GEN1 gene, results from a T to G substitution at nucleotide position 301. The tryptophan at codon 101 is replaced by glycine, an amino acid with highly dissimilar properties. This amino acid position is conserved. In addition, this alteration is predicted to be tolerated by in silico analysis. Based on the available evidence, the clinical significance of this variant remains unclear.